The following is an entry in ClinVar:

ClinVar aggregate classification (germline): Likely benign. Review status: criteria provided, multiple submitters, no conflicts (2 of 4 stars). 3 submissions from 3 submitters: Likely benign (3). Last evaluated 2025-08-21.

Conditions:
Hereditary cancer-predisposing syndrome. Also called: Neoplastic Syndromes, Hereditary; Tumor predisposition; Hereditary Cancer Syndrome; Hereditary neoplastic syndrome. Identifiers: Orphanet 140162, MedGen C0027672, MeSH D009386, MONDO:0015356.
Hereditary nonpolyposis colorectal neoplasms. Identifiers: MedGen C0009405, MeSH D003123.
Lynch syndrome. Identifiers: Orphanet 144, MedGen C4552100, MONDO:0005835. Disease mechanism: loss of function.

Allele frequency attached by ClinVar (database versions not stated): gnomAD exomes below 0.00001.
gnomAD v4.1: 1 of 1,613,102 alleles (0.000062%); highest among the groups gnomAD compares: Non-Finnish European, 0.000085%; no homozygotes.

Submissions (3):

Labcorp Genetics (formerly Invitae), Labcorp
Classification: Likely benign for Hereditary nonpolyposis colorectal neoplasms. Last evaluated: 2025-08-21. Review status: criteria provided, single submitter. Criteria: Invitae Variant Classification Sherloc (09022015). Collection method: clinical testing. Allele origin: germline.

All of Us Research Program, National Institutes of Health
Classification: Likely benign for Lynch syndrome. Last evaluated: 2023-06-28. Review status: criteria provided, single submitter. Criteria: ACMG Guidelines, 2015. Collection method: clinical testing. Allele origin: germline. Inheritance: Autosomal dominant inheritance. Observed: 1 variant allele, 1 heterozygote.
Comment: This study involves interpretation of variants in research participants for the purpose of population health screening. Participant phenotype was not available at the time of variant classification. Additional details can be found in publication PMID: 35346344, PMCID: PMC8962531

Color Diagnostics, LLC DBA Color Health
Classification: Likely benign for Hereditary cancer-predisposing syndrome. Last evaluated: 2019-07-02. Review status: criteria provided, single submitter. Criteria: ACMG Guidelines, 2015. Collection method: clinical testing. Allele origin: germline.

NM_000179.3(MSH6):c.2535T>C (p.Tyr845=)

Gene: MSH6 (mutS homolog 6; plus strand). Cytogenetic location: 2p16.3.
Variant type: single nucleotide variant.
Coding change: c.2535T>C on transcript NM_000179.3 (MANE Select); coding-DNA position 2535, T replaced by C.
Protein change: p.Tyr845=; no amino-acid change (tyrosine 845 retained).
Molecular consequence: synonymous variant.
Genome position (GRCh38, 1-based): chr2:47,800,518, T>C. VCF-style: chr2-47800518-T-C. GRCh37 (hg19) VCF-style: chr2-48027657-T-C.
Other names: c.1629T>C, p.Tyr543= (NM_001281494.2, NM_001281493.2); c.2145T>C, p.Tyr715= (NM_001281492.2).
Identifiers: ClinVar variation 927062 (VCV000927062.4), dbSNP rs1669476049, ClinGen allele CA426121549.